The following is an entry in ClinVar:

NM_213599.3(ANO5):c.772T>C (p.Trp258Arg)

Gene: ANO5 (anoctamin 5; plus strand). Cytogenetic location: 11p14.3.
Variant type: single nucleotide variant.
Coding change: c.772T>C on transcript NM_213599.3 (MANE Select); coding-DNA position 772, T replaced by C.
Protein change: p.Trp258Arg; replaces tryptophan 258 with arginine.
Molecular consequence: missense variant.
Genome position (GRCh38, 1-based): chr11:22,239,578, T>C. VCF-style: chr11-22239578-T-C. GRCh37 (hg19) VCF-style: chr11-22261124-T-C.
Other names: c.769T>C, p.Trp257Arg (NM_001142649.2); short protein forms W258R, W257R.
Identifiers: ClinVar variation 1432625 (VCV001432625.6), dbSNP rs747860868, ClinGen allele CA218743995.

ClinVar aggregate classification (germline): Uncertain significance (1 of 4 stars; one submission).

Conditions:
Gnathodiaphyseal dysplasia (GDD). Also called: GNATHODIAPHYSEAL SCLEROSIS; OSTEOGENESIS IMPERFECTA WITH UNUSUAL SKELETAL LESIONS. Identifiers: Orphanet 53697, MedGen C1833736, MONDO:0008151, OMIM 166260.
Autosomal recessive limb-girdle muscular dystrophy type 2L (LGMDR12). Also called: Limb-girdle muscular dystrophy, type 2L; Limb-Girdle Muscular Dystrophy R12 Anoctamin-5-Related (LGMD-R12); MUSCULAR DYSTROPHY, LIMB-GIRDLE, AUTOSOMAL RECESSIVE 12. Identifiers: Orphanet 206549, MedGen C1969785, MONDO:0012652, OMIM 611307.

Allele frequency attached by ClinVar (database versions not stated): gnomAD exomes below 0.00001.
gnomAD v4.1: 2 of 1,611,386 alleles (0.00012%); highest among the groups gnomAD compares: Admixed American, 0.0017%; no homozygotes.

Submission:

Labcorp Genetics (formerly Invitae), Labcorp
Classification: Uncertain significance for Autosomal recessive limb-girdle muscular dystrophy type 2L; Gnathodiaphyseal dysplasia. Last evaluated: 2025-12-03. Review status: criteria provided, single submitter. Criteria: Invitae Variant Classification Sherloc (09022015). Collection method: clinical testing. Allele origin: germline.
Comment: This sequence change replaces tryptophan, which is neutral and slightly polar, with arginine, which is basic and polar, at codon 258 of the ANO5 protein (p.Trp258Arg). This variant is not present in population databases (gnomAD no frequency). This variant has not been reported in the literature in individuals affected with ANO5-related conditions. ClinVar contains an entry for this variant (Variation ID: 1432625). Invitae Evidence Modeling of protein sequence and biophysical properties (such as structural, functional, and spatial information, amino acid conservation, physicochemical variation, residue mobility, and thermodynamic stability) has been performed for this missense variant. However, the output from this modeling did not meet the statistical confidence thresholds required to predict the impact of this variant on ANO5 protein function. In summary, the available evidence is currently insufficient to determine the role of this variant in disease. Therefore, it has been classified as a Variant of Uncertain Significance.